The following is an entry in ClinVar:

ClinVar aggregate classification (germline): Likely benign (0 of 4 stars; one submission).

Conditions:
SEMA3F-related disorder. Also called: SEMA3F-related condition.

Allele frequency attached by ClinVar (database versions not stated): TOPMed 0.00005; gnomAD 0.00007; ExAC 0.00008; ESP Exome Variant Server 0.00008; gnomAD exomes 0.00015; 1000 Genomes Project 30x 0.00016; 1000 Genomes Project 0.00020.
gnomAD v4.1: 219 of 1,596,500 alleles (0.014%); highest among the groups gnomAD compares: South Asian, 0.044%; 1 homozygote.

Submission:

PreventionGenetics, part of Exact Sciences
Classification: Likely benign for SEMA3F-related condition. Last evaluated: 2023-05-08. Review status: no assertion criteria provided. Collection method: clinical testing. Allele origin: germline.
Comment: This variant is classified as likely benign based on ACMG/AMP sequence variant interpretation guidelines (Richards et al. 2015 PMID: 25741868, with internal and published modifications).

NM_004186.5(SEMA3F):c.1827C>T (p.Ala609=)

Gene: SEMA3F (semaphorin 3F; plus strand). Cytogenetic location: 3p21.31.
Variant type: single nucleotide variant.
Coding change: c.1827C>T on transcript NM_004186.5 (MANE Select); coding-DNA position 1827, C replaced by T.
Protein change: p.Ala609=; no amino-acid change (alanine 609 retained).
Molecular consequence: synonymous variant.
Genome position (GRCh38, 1-based): chr3:50,186,626, C>T. VCF-style: chr3-50186626-C-T. GRCh37 (hg19) VCF-style: chr3-50224059-C-T.
Other names: c.1530C>T, p.Ala510= (NM_001318798.2); c.1734C>T, p.Ala578= (NM_001318800.2).
Identifiers: ClinVar variation 3041829 (VCV003041829.2), dbSNP rs372490875, ClinGen allele CA2412252.
Genomic context (GRCh38, chr3:50,186,626, plus strand): 5'-CTGCCCGGAGGTGATGCTGCTTTTGCTCAACCCCTCTCACTCTAAAGCCAACAAGAATGC[C>T]GTGGAGTCTGTGCAGTATGGCGTGGCCGGCAGCGCAGCCTTCCTTGAGTGCCAGCCCCGC-3'
Protein context (NP_004177.3, residues 599-619): RGFNSNANKN[Ala609=]VESVQYGVAG